The following is an entry in ClinVar:

ClinVar aggregate classification (germline): Uncertain significance. Review status: criteria provided, multiple submitters, no conflicts (2 of 4 stars). 2 submissions from 2 submitters: Uncertain significance (2). Last evaluated 2025-11-19.

Conditions:
Hereditary cancer-predisposing syndrome. Also called: Neoplastic Syndromes, Hereditary; Hereditary neoplastic syndrome; Tumor predisposition; Hereditary Cancer Syndrome. Identifiers: Orphanet 140162, MedGen C0027672, MeSH D009386, MONDO:0015356.
DICER1-related tumor predisposition. Also called: DICER1-related pleuropulmonary blastoma cancer predisposition syndrome; DICER1 syndrome. Identifiers: Orphanet 284343, MedGen C3839822, MONDO:0100216.

Submissions (2):

Ambry Genetics
Classification: Uncertain significance for Hereditary cancer-predisposing syndrome. Last evaluated: 2025-11-19. Review status: criteria provided, single submitter. Criteria: Ambry Variant Classification Scheme 2023. Collection method: clinical testing. Allele origin: germline.
Comment: The p.D1414V variant (also known as c.4241A>T), located in coding exon 22 of the DICER1 gene, results from an A to T substitution at nucleotide position 4241. The aspartic acid at codon 1414 is replaced by valine, an amino acid with highly dissimilar properties. This amino acid position is conserved. In addition, the in silico prediction for this alteration is inconclusive. Based on the available evidence, the clinical significance of this variant remains unclear.

Labcorp Genetics (formerly Invitae), Labcorp
Classification: Uncertain significance for DICER1-related tumor predisposition. Last evaluated: 2024-07-10. Review status: criteria provided, single submitter. Criteria: Invitae Variant Classification Sherloc (09022015). Collection method: clinical testing. Allele origin: germline.
Comment: This sequence change replaces aspartic acid, which is acidic and polar, with valine, which is neutral and non-polar, at codon 1414 of the DICER1 protein (p.Asp1414Val). This variant is not present in population databases (gnomAD no frequency). This variant has not been reported in the literature in individuals affected with DICER1-related conditions. Advanced modeling of protein sequence and biophysical properties (such as structural, functional, and spatial information, amino acid conservation, physicochemical variation, residue mobility, and thermodynamic stability) performed at Invitae indicates that this missense variant is not expected to disrupt DICER1 protein function with a negative predictive value of 80%. In summary, the available evidence is currently insufficient to determine the role of this variant in disease. Therefore, it has been classified as a Variant of Uncertain Significance.

NM_177438.3(DICER1):c.4241A>T (p.Asp1414Val)

Gene: DICER1 (dicer 1, ribonuclease III; minus strand). Cytogenetic location: 14q32.13.
Variant type: single nucleotide variant.
Coding change: c.4241A>T on transcript NM_177438.3 (MANE Select); coding-DNA position 4241, A replaced by T.
Protein change: p.Asp1414Val; replaces aspartic acid 1414 with valine.
Molecular consequence: missense variant. On other transcripts: non-coding transcript variant (6).
Genome position (GRCh38, 1-based): chr14:95,096,679, T>A on the plus strand (A>T on the coding strand, the complement: DICER1 is on the minus strand). VCF-style: chr14-95096679-T-A. GRCh37 (hg19) VCF-style: chr14-95563016-T-A.
Other names: c.4241A>T, p.Asp1414Val (NM_001195573.1, NM_001271282.3, NM_001291628.2 and 12 more transcripts); c.3959A>T, p.Asp1320Val (NM_001395686.1); c.3836A>T, p.Asp1279Val (NM_001395687.1, NM_001395688.1, NM_001395689.1 and 2 more transcripts); c.3674A>T, p.Asp1225Val (NM_001395691.1); c.2558A>T, p.Asp853Val (NM_001395697.1); short protein forms D1320V, D1279V, D853V, D1225V, D1414V.
Identifiers: ClinVar variation 3659157 (VCV003659157.3).
Genomic context (GRCh38, chr14:95,096,679, plus strand): 5'-TCCTTCGGAGCCCTCCACATCAGGCTCTCCTCCTCCTCATCCTCCTCCTCGTAATCCTCA[T>A]CCAGTTTGCCATTCGCCAGCATGCAGTCTTTTGTCTGAAACGAGGGGGAATGGGGAAGGA-3'
Protein context (NP_803187.1, residues 1404-1424): KDCMLANGKL[Asp1414Val]EDYEEEDEEE